The following is an entry in ClinVar:

NM_004329.3(BMPR1A):c.486C>G (p.Val162=)

Gene: BMPR1A (bone morphogenetic protein receptor type 1A; plus strand). Cytogenetic location: 10q23.2.
Variant type: single nucleotide variant.
Coding change: c.486C>G on transcript NM_004329.3 (MANE Select); coding-DNA position 486, C replaced by G.
Protein change: p.Val162=; no amino-acid change (valine 162 retained).
Molecular consequence: synonymous variant. On other transcripts: non-coding transcript variant (3), intron variant (1).
Genome position (GRCh38, 1-based): chr10:86,900,082, C>G. VCF-style: chr10-86900082-C-G. GRCh37 (hg19) VCF-style: chr10-88659839-C-G.
Other names: c.486C>G, p.Val162= (NM_001406559.1, NM_001406560.1, NM_001406561.1 and 22 more transcripts); c.402C>G, p.Val134= (NM_001406584.1, NM_001406585.1, NM_001406586.1 and 2 more transcripts); c.333+7853C>G (NM_001406589.1).
Identifiers: ClinVar variation 3379222 (VCV003379222.1).

ClinVar aggregate classification (germline): Benign (1 of 4 stars; one submission).

Conditions:
Juvenile polyposis syndrome (JPS). Identifiers: Orphanet 2929, MedGen C0345893, MONDO:0017380, OMIM 174900.

Submission:

Myriad Genetics, Inc.
Classification: Benign for Juvenile polyposis syndrome. Last evaluated: 2024-08-01. Review status: criteria provided, single submitter. Criteria: Myriad Autosomal Dominant, Autosomal Recessive and X-Linked Classification Criteria (2023). Collection method: clinical testing. Allele origin: unknown.
Comment: This variant is considered benign. This variant is a silent/synonymous amino acid change and it is not expected to impact splicing.